The following is an entry in ClinVar:

NC_000015.10:g.(?_90803511)_(90804369_?)del

Gene: BLM (BLM RecQ like helicase; plus strand). Cytogenetic location: 15q26.1.
Variant type: Deletion.
Identifiers: ClinVar variation 832485 (VCV000832485.9).

ClinVar aggregate classification (germline): Likely pathogenic (1 of 4 stars; one submission).

Conditions:
Bloom syndrome (BLM). Also called: Bloom-Torre-Machacek syndrome. Identifiers: Orphanet 125, MedGen C0005859, MONDO:0008876, OMIM 210900.

Submission:

Labcorp Genetics (formerly Invitae), Labcorp
Classification: Likely pathogenic for Bloom syndrome. Last evaluated: 2022-09-13. Review status: criteria provided, single submitter. Criteria: Invitae Variant Classification Sherloc (09022015). Collection method: clinical testing. Allele origin: germline.
Comment: In summary, the currently available evidence indicates that the variant is pathogenic, but additional data are needed to prove that conclusively. Therefore, this variant has been classified as Likely Pathogenic. This variant disrupts the helicase and RNase C-terminal (HRDC) domain of the BLM protein, which has been shown to be essential for recruitment of the BLM protein to sites of DNA damage and dissolution of double Holliday junctions (PMID: 22657828, 16876111, 15990871, 22657828). While functional studies have not been performed to directly test the effect of this variant on BLM protein function, this suggests that disruption of this region of the protein is causative of disease. This variant has not been reported in the literature in individuals affected with BLM-related conditions. This variant is a gross deletion of the genomic region encompassing exon(s) 18-19 of the BLM gene. This variant would be expected to be in-frame, preserving the integrity of the reading frame.

Literature cited by the submitters: PubMed 22657828; PubMed 16876111; PubMed 15990871.